The following is an entry in ClinVar:

NM_000540.3(RYR1):c.2733C>G (p.Ser911Arg)

Gene: RYR1 (ryanodine receptor 1; plus strand). Cytogenetic location: 19q13.2.
Variant type: single nucleotide variant.
Coding change: c.2733C>G on transcript NM_000540.3 (MANE Select); coding-DNA position 2733, C replaced by G.
Protein change: p.Ser911Arg; replaces serine 911 with arginine.
Molecular consequence: missense variant.
Genome position (GRCh38, 1-based): chr19:38,463,797, C>G. VCF-style: chr19-38463797-C-G. GRCh37 (hg19) VCF-style: chr19-38954437-C-G.
Other names: c.2733C>G, p.Ser911Arg (NM_001042723.2); short protein forms S911R.
Identifiers: ClinVar variation 3074903 (VCV003074903.1), dbSNP rs770314420, ClinGen allele CA405632435.

ClinVar aggregate classification (germline): Uncertain significance (1 of 4 stars; one submission).

Conditions:
Malignant hyperthermia, susceptibility to, 1 (MHS1). Also called: Anesthesia related hyperthermia; Malignant hyperpyrexia; Fulminating hyperpyrexia; Pharmacogenic myopathy; RYR1-Related Malignant Hyperthermia Susceptibility; Malignant hyperthermia suceptibility 1. Identifiers: Orphanet 423, MedGen C2930980, MONDO:0007783, OMIM 145600.

Allele frequency attached by ClinVar (database versions not stated): gnomAD exomes below 0.00001.
gnomAD v4.1: 1 of 1,614,036 alleles (0.000062%); highest among the groups gnomAD compares: Non-Finnish European, 0.000085%; no homozygotes.

Submission:

All of Us Research Program, National Institutes of Health
Classification: Uncertain significance for Malignant hyperthermia, susceptibility to, 1. Last evaluated: 2023-12-13. Review status: criteria provided, single submitter. Criteria: ACMG Guidelines, 2015. Collection method: clinical testing. Allele origin: germline. Inheritance: Autosomal dominant inheritance. Observed: 1 variant allele, 1 heterozygote.
Comment: This missense variant replaces serine with arginine at codon 911 of the RYR1 protein. Computational prediction suggests that this variant may not impact protein structure and function (internally defined REVEL score threshold <= 0.5, PMID: 27666373). To our knowledge, functional studies have not been reported for this variant. This variant has not been reported in individuals affected with RYR1-related disorders in the literature. This variant has not been identified in the general population by the Genome Aggregation Database (gnomAD). The available evidence is insufficient to determine the role of this variant in disease conclusively. Therefore, this variant is classified as a Variant of Uncertain Significance.

This study involves interpretation of variants in research participants for the purpose of population health screening. Participant phenotype was not available at the time of variant classification. Additional details can be found in publication PMID: 35346344, PMCID: PMC8962531